The following is an entry in ClinVar:

NM_001303052.2(MYT1L):c.2608C>T (p.Pro870Ser)

Gene: MYT1L (myelin transcription factor 1 like; minus strand). Cytogenetic location: 2p25.3.
Variant type: single nucleotide variant.
Coding change: c.2608C>T on transcript NM_001303052.2 (MANE Select); coding-DNA position 2608, C replaced by T.
Protein change: p.Pro870Ser; replaces proline 870 with serine.
Molecular consequence: missense variant.
Genome position (GRCh38, 1-based): chr2:1,887,522, G>A on the plus strand (C>T on the coding strand, the complement: MYT1L is on the minus strand). VCF-style: chr2-1887522-G-A. GRCh37 (hg19) VCF-style: chr2-1891294-G-A.
Other names: c.2608C>T, p.Pro870Ser (NM_001329844.2, NM_001329845.1, NM_001329851.3); c.2602C>T, p.Pro868Ser (NM_001329846.3, NM_001329847.2, NM_001329848.1 and 3 more transcripts); short protein forms P868S, P870S.
Identifiers: ClinVar variation 1708393 (VCV001708393.2), dbSNP rs372420905, ClinGen allele CA1513998.

ClinVar aggregate classification (germline): Uncertain significance (1 of 4 stars; one submission).

Allele frequency attached by ClinVar (database versions not stated): TOPMed below 0.00001; gnomAD 0.00001; gnomAD exomes 0.00001; ExAC 0.00002; ESP Exome Variant Server 0.00008.
gnomAD v4.1: 14 of 1,613,868 alleles (0.00087%); highest among the groups gnomAD compares: Non-Finnish European, 0.0012%; no homozygotes.

Submission:

Centre of Medical Genetics, University Hospital Muenster
Classification: Uncertain significance. Last evaluated: 2021-12-08. Review status: criteria provided, single submitter. Criteria: ACMG Guidelines, 2015. Collection method: clinical testing. Allele origin: unknown. Affected: yes. Observed: 1 variant allele, 1 heterozygote.
Comment: ACMG categories: PM1,PM2